The following is an entry in ClinVar:

ClinVar aggregate classification (germline): Uncertain significance (1 of 4 stars; one submission).

Conditions:
Retinoblastoma (RB1). Also called: RETINOBLASTOMA, SOMATIC. Identifiers: Orphanet 790, MedGen C0035335, MeSH D012175, MONDO:0008380, OMIM 180200, HP:0009919. Disease mechanism: loss of function. Inheritance: Both sporadic and heritable forms are tested..

Submission:

Labcorp Genetics (formerly Invitae), Labcorp
Classification: Uncertain significance for Retinoblastoma. Last evaluated: 2023-08-11. Review status: criteria provided, single submitter. Criteria: Invitae Variant Classification Sherloc (09022015). Collection method: clinical testing. Allele origin: germline.
Comment: This sequence change replaces phenylalanine, which is neutral and non-polar, with leucine, which is neutral and non-polar, at codon 104 of the RB1 protein (p.Phe104Leu). This variant is not present in population databases (gnomAD no frequency). This variant has not been reported in the literature in individuals affected with RB1-related conditions. Advanced modeling of protein sequence and biophysical properties (such as structural, functional, and spatial information, amino acid conservation, physicochemical variation, residue mobility, and thermodynamic stability) performed at Invitae indicates that this missense variant is not expected to disrupt RB1 protein function. In summary, the available evidence is currently insufficient to determine the role of this variant in disease. Therefore, it has been classified as a Variant of Uncertain Significance.

NM_000321.3(RB1):c.310T>C (p.Phe104Leu)

Gene: RB1 (RB transcriptional corepressor 1; plus strand). Cytogenetic location: 13q14.2.
Variant type: single nucleotide variant.
Coding change: c.310T>C on transcript NM_000321.3 (MANE Select); coding-DNA position 310, T replaced by C.
Protein change: p.Phe104Leu; replaces phenylalanine 104 with leucine.
Molecular consequence: missense variant.
Genome position (GRCh38, 1-based): chr13:48,342,644, T>C. VCF-style: chr13-48342644-T-C. GRCh37 (hg19) VCF-style: chr13-48916780-T-C.
Other names: c.310T>C, p.Phe104Leu (NM_001407165.1, NM_001407166.1); short protein forms F104L.
Identifiers: ClinVar variation 2751808 (VCV002751808.3), dbSNP rs2542155990, ClinGen allele CA388252413.